The following is an entry in ClinVar:

NM_031276.3(TEX11):c.1093_1100del (p.Asp365fs)

Gene: TEX11 (testis expressed 11; minus strand). Cytogenetic location: Xq13.1.
Variant type: Deletion.
Coding change: c.1093_1100del on transcript NM_031276.3 (MANE Select); coding-DNA positions 1093 to 1100, 8 bases deleted (GACATGCT; older notation c.1093_1100delGACATGCT).
Protein change: p.Asp365fs; shifts the reading frame from aspartic acid 365.
Molecular consequence: frameshift variant.
Genome position (GRCh38, 1-based): chrX:70,682,730-70,682,737, AGCATGTC deleted on the plus strand (GACATGCT on the coding strand, the reverse complement: TEX11 is on the minus strand); deleting any 8 consecutive bases within chrX:70,682,730-70,682,739 gives the same sequence; the c. name uses the placement nearest the transcript's 3' end. VCF-style (leftmost placement, unchanged base first): chrX-70682729-AAGCATGTC-A. GRCh37 (hg19) VCF-style: chrX-69902579-AAGCATGTC-A.
Other names: c.1138_1145del, p.Asp380fs (NM_001003811.2); short protein forms D365fs, D380fs.
Identifiers: ClinVar variation 4849664 (VCV004849664.1).

ClinVar aggregate classification (germline): Likely pathogenic (1 of 4 stars; one submission).

Conditions:
Spermatogenic failure, X-linked, 2 (SPGFX2). Also called: MALE INFERTILITY FROM DEFECT IN MEIOSIS. Identifiers: MedGen C1839841, MONDO:0010647, OMIM 309120.

Submission:

Institute of Immunology and Genetics Kaiserslautern
Classification: Likely pathogenic for Spermatogenic failure, X-linked, 2. Last evaluated: 2025-12-03. Review status: criteria provided, single submitter. Criteria: ACMG Guidelines, 2015. Collection method: clinical testing. Allele origin: germline. Affected: yes.
Comment: ACMG Criteria: PVS1, PM2; Variant was found in hemizygous state.